The following is an entry in ClinVar:

NM_007194.4(CHEK2):c.598G>T (p.Val200Phe)

Gene: CHEK2 (checkpoint kinase 2; minus strand). Cytogenetic location: 22q12.1.
Variant type: single nucleotide variant.
Coding change: c.598G>T on transcript NM_007194.4 (MANE Select); coding-DNA position 598, G replaced by T.
Protein change: p.Val200Phe; replaces valine 200 with phenylalanine.
Molecular consequence: missense variant. On other transcripts: 5 prime UTR variant (2), intron variant (1).
Genome position (GRCh38, 1-based): chr22:28,719,480, C>A on the plus strand (G>T on the coding strand, the complement: CHEK2 is on the minus strand). VCF-style: chr22-28719480-C-A. GRCh37 (hg19) VCF-style: chr22-29115468-C-A.
Other names: c.727G>T, p.Val243Phe (NM_001005735.3, NM_001438294.1); c.-66G>T (NM_001257387.3, NM_001437942.1); c.691G>T, p.Val231Phe (NM_001438293.1, NM_001438295.1); c.598G>T, p.Val200Phe (NM_145862.3); c.482+5406G>T (NM_001349956.3); short protein forms V200F, V243F, V231F.
Identifiers: ClinVar variation 1044253 (VCV001044253.10), dbSNP rs730881704, ClinGen allele CA411105148.

ClinVar aggregate classification (germline): Uncertain significance (1 of 4 stars; one submission).

Conditions:
Familial cancer of breast. Also called: hereditary breast carcinoma; Hereditary breast cancer; BREAST CANCER, FAMILIAL. Identifiers: Orphanet 227535, MedGen C0346153, MONDO:0016419, OMIM 114480. Disease mechanism: loss of function.

Submission:

Labcorp Genetics (formerly Invitae), Labcorp
Classification: Uncertain significance for Familial cancer of breast. Last evaluated: 2020-02-12. Review status: criteria provided, single submitter. Criteria: Invitae Variant Classification Sherloc (09022015). Collection method: clinical testing. Allele origin: germline.
Comment: This variant has not been reported in the literature in individuals with CHEK2-related conditions. This sequence change replaces valine with phenylalanine at codon 200 of the CHEK2 protein (p.Val200Phe). The valine residue is highly conserved and there is a small physicochemical difference between valine and phenylalanine. This variant is not present in population databases (ExAC no frequency). Algorithms developed to predict the effect of missense changes on protein structure and function are either unavailable or do not agree on the potential impact of this missense change (SIFT: "Deleterious"; PolyPhen-2: "Probably Damaging"; Align-GVGD: "Class C0"). In summary, the available evidence is currently insufficient to determine the role of this variant in disease. Therefore, it has been classified as a Variant of Uncertain Significance.